The following is an entry in ClinVar:

ClinVar aggregate classification (germline): Uncertain significance. Review status: criteria provided, multiple submitters, no conflicts (2 of 4 stars). 3 submissions from 3 submitters: Uncertain significance (3). Last evaluated 2024-09-01.

Conditions:
Inborn genetic diseases. Identifiers: MedGen C0950123, MeSH D030342.

gnomAD v4.1: 30 of 1,497,232 alleles (0.002%); highest among the groups gnomAD compares: African/African-American, 0.0029%; no homozygotes.

Submissions (3):

Labcorp Genetics (formerly Invitae), Labcorp
Classification: Uncertain significance. Last evaluated: 2024-09-01. Review status: criteria provided, single submitter. Criteria: Invitae Variant Classification Sherloc (09022015). Collection method: clinical testing. Allele origin: germline.
Comment: This sequence change replaces threonine, which is neutral and polar, with methionine, which is neutral and non-polar, at codon 865 of the CPLANE1 protein (p.Thr865Met). The frequency data for this variant in the population databases is considered unreliable, as metrics indicate poor data quality at this position in the gnomAD database. This variant has not been reported in the literature in individuals affected with CPLANE1-related conditions. ClinVar contains an entry for this variant (Variation ID: 2177129). Invitae Evidence Modeling of protein sequence and biophysical properties (such as structural, functional, and spatial information, amino acid conservation, physicochemical variation, residue mobility, and thermodynamic stability) indicates that this missense variant is not expected to disrupt CPLANE1 protein function with a negative predictive value of 95%. In summary, the available evidence is currently insufficient to determine the role of this variant in disease. Therefore, it has been classified as a Variant of Uncertain Significance.

Blueprint Genetics
Classification: Uncertain significance. Last evaluated: 2023-04-11. Review status: criteria provided, single submitter. Criteria: ACMG Guidelines, 2015. Collection method: clinical testing. Allele origin: germline.

Ambry Genetics
Classification: Uncertain significance for Inborn genetic diseases. Last evaluated: 2021-08-17. Review status: criteria provided, single submitter. Criteria: Ambry Variant Classification Scheme 2023. Collection method: clinical testing. Allele origin: germline.

NM_001384732.1(CPLANE1):c.2594C>T (p.Thr865Met)

Gene: CPLANE1 (ciliogenesis and planar polarity effector complex subunit 1; minus strand). Cytogenetic location: 5p13.2.
Variant type: single nucleotide variant.
Coding change: c.2594C>T on transcript NM_001384732.1 (MANE Select); coding-DNA position 2594, C replaced by T.
Protein change: p.Thr865Met; replaces threonine 865 with methionine.
Molecular consequence: missense variant.
Genome position (GRCh38, 1-based): chr5:37,221,476, G>A on the plus strand (C>T on the coding strand, the complement: CPLANE1 is on the minus strand). VCF-style: chr5-37221476-G-A. GRCh37 (hg19) VCF-style: chr5-37221578-G-A.
Other names: c.2594C>T, p.Thr865Met (NM_023073.4); c.2594C>T (NM_023073.3); short protein forms T865M.
Identifiers: ClinVar variation 2177129 (VCV002177129.5), dbSNP rs868497791, ClinGen allele CA117053403.